The following is an entry in ClinVar:

ClinVar aggregate classification (germline): Uncertain significance. Review status: criteria provided, multiple submitters, no conflicts (2 of 4 stars). 2 submissions from 2 submitters: Uncertain significance (2). Last evaluated 2025-05-25.

Conditions:
Malignant hyperthermia, susceptibility to, 1 (MHS1). Also called: Anesthesia related hyperthermia; Malignant hyperpyrexia; Fulminating hyperpyrexia; Pharmacogenic myopathy; RYR1-Related Malignant Hyperthermia Susceptibility; Malignant hyperthermia suceptibility 1. Identifiers: Orphanet 423, MedGen C2930980, MONDO:0007783, OMIM 145600.
Inborn genetic diseases. Identifiers: MedGen C0950123, MeSH D030342.

Allele frequency attached by ClinVar (database versions not stated): gnomAD 0.00001; gnomAD exomes 0.00001; TOPMed 0.00001; ExAC 0.00002.
gnomAD v4.1: 10 of 1,614,002 alleles (0.00062%); highest among the groups gnomAD compares: East Asian, 0.0022%; no homozygotes.

Submissions (2):

Ambry Genetics
Classification: Uncertain significance for Inborn genetic diseases. Last evaluated: 2025-05-25. Review status: criteria provided, single submitter. Criteria: Ambry Variant Classification Scheme 2023. Collection method: clinical testing. Allele origin: germline.

All of Us Research Program, National Institutes of Health
Classification: Uncertain significance for Malignant hyperthermia, susceptibility to, 1. Last evaluated: 2023-05-04. Review status: criteria provided, single submitter. Criteria: ACMG Guidelines, 2015. Collection method: clinical testing. Allele origin: germline. Inheritance: Autosomal dominant inheritance. Observed: 1 variant allele, 1 heterozygote.
Comment: This missense variant replaces arginine with cysteine at codon 2697 of the RYR1 protein. Computational prediction is inconclusive regarding the impact of this variant on protein structure and function (internally defined REVEL score threshold 0.5 < inconclusive < 0.7, PMID: 27666373). To our knowledge, functional studies have not been reported for this variant. This variant has not been reported in individuals affected with RYR1-related disorders in the literature. This variant has been identified in 3/251460 chromosomes in the general population by the Genome Aggregation Database (gnomAD). The available evidence is insufficient to determine the role of this variant in disease conclusively. Therefore, this variant is classified as a Variant of Uncertain Significance.

This study involves interpretation of variants in research participants for the purpose of population health screening. Participant phenotype was not available at the time of variant classification. Additional details can be found in publication PMID: 35346344, PMCID: PMC8962531

NM_000540.3(RYR1):c.8089C>T (p.Arg2697Cys)

Gene: RYR1 (ryanodine receptor 1; plus strand). Cytogenetic location: 19q13.2.
Variant type: single nucleotide variant.
Coding change: c.8089C>T on transcript NM_000540.3 (MANE Select); coding-DNA position 8089, C replaced by T.
Protein change: p.Arg2697Cys; replaces arginine 2697 with cysteine.
Molecular consequence: missense variant.
Genome position (GRCh38, 1-based): chr19:38,504,769, C>T. VCF-style: chr19-38504769-C-T. GRCh37 (hg19) VCF-style: chr19-38995409-C-T.
Other names: c.8089C>T, p.Arg2697Cys (NM_001042723.2); short protein forms R2697C.
Identifiers: ClinVar variation 3070893 (VCV003070893.2), dbSNP rs769684535, ClinGen allele CA071471.